The following is an entry in ClinVar:

NM_014822.4(SEC24D):c.2958+2T>A

Gene: SEC24D (SEC24 homolog D, COPII component; minus strand). Cytogenetic location: 4q26.
Variant type: single nucleotide variant.
Coding change: c.2958+2T>A on transcript NM_014822.4 (MANE Select); the canonical splice donor site of the intron after coding-DNA position 2958, T replaced by A.
Molecular consequence: splice donor variant.
Genome position (GRCh38, 1-based): chr4:118,728,559, A>T on the plus strand (T>A on the coding strand, the complement: SEC24D is on the minus strand). VCF-style: chr4-118728559-A-T. GRCh37 (hg19) VCF-style: chr4-119649714-A-T.
Other names: c.2961+2T>A (NM_001318066.2).
Identifiers: ClinVar variation 5001239 (VCV005001239.1).

ClinVar aggregate classification (germline): Uncertain significance (1 of 4 stars; one submission).

Conditions:
SEC24D-related disorder. Also called: SEC24D-related condition.

Submission:

PreventionGenetics, part of Exact Sciences
Classification: Uncertain significance for SEC24D-related condition. Last evaluated: 2024-10-19. Review status: criteria provided, single submitter. Criteria: ACMG Guidelines, 2015. Collection method: clinical testing. Allele origin: germline.
Comment: The SEC24D c.2958+2T>A variant is predicted to disrupt the GT donor site and interfere with normal splicing. This variant abolishes the exon 22 canonical GT donor site but also resides in the final intron of this gene, it is unclear if the resulting alternatively spliced mRNA would undergo nonsense-mediated decay. To our knowledge, this variant has not been reported in the literature or in a large population database (gnomAD), indicating this variant is rare. Although we suspect that this variant may be pathogenic, at this time, the clinical significance of this variant is uncertain due to the absence of conclusive functional and genetic evidence.